The following is an entry in ClinVar:

ClinVar aggregate classification (germline): Uncertain significance (1 of 4 stars; one submission).

Submission:

Labcorp Genetics (formerly Invitae), Labcorp
Classification: Uncertain significance. Last evaluated: 2025-08-11. Review status: criteria provided, single submitter. Criteria: Invitae Variant Classification Sherloc (09022015). Collection method: clinical testing. Allele origin: germline.
Comment: This sequence change replaces threonine, which is neutral and polar, with serine, which is neutral and polar, at codon 102 of the DUOX2 protein (p.Thr102Ser). This variant is not present in population databases (gnomAD no frequency). This variant has not been reported in the literature in individuals affected with DUOX2-related conditions. ClinVar contains an entry for this variant (Variation ID: 3699827). Invitae Evidence Modeling of protein sequence and biophysical properties (such as structural, functional, and spatial information, amino acid conservation, physicochemical variation, residue mobility, and thermodynamic stability) indicates that this missense variant is not expected to disrupt DUOX2 protein function with a negative predictive value of 80%. In summary, the available evidence is currently insufficient to determine the role of this variant in disease. Therefore, it has been classified as a Variant of Uncertain Significance.

NM_001363711.2(DUOX2):c.305C>G (p.Thr102Ser)

Gene: DUOX2 (dual oxidase 2; minus strand). Cytogenetic location: 15q21.1.
Variant type: single nucleotide variant.
Coding change: c.305C>G on transcript NM_001363711.2 (MANE Select); coding-DNA position 305, C replaced by G.
Protein change: p.Thr102Ser; replaces threonine 102 with serine.
Molecular consequence: missense variant.
Genome position (GRCh38, 1-based): chr15:45,112,574, G>C on the plus strand (C>G on the coding strand, the complement: DUOX2 is on the minus strand). VCF-style: chr15-45112574-G-C. GRCh37 (hg19) VCF-style: chr15-45404772-G-C.
Other names: c.305C>G, p.Thr102Ser (NM_014080.5); short protein forms T102S.
Identifiers: ClinVar variation 3699827 (VCV003699827.2).